The following is an entry in ClinVar:

NM_004360.5(CDH1):c.900C>T (p.Ile300=)

Gene: CDH1 (cadherin 1; plus strand). Cytogenetic location: 16q22.1.
Variant type: single nucleotide variant.
Coding change: c.900C>T on transcript NM_004360.5 (MANE Select); coding-DNA position 900, C replaced by T.
Protein change: p.Ile300=; no amino-acid change (isoleucine 300 retained).
Molecular consequence: synonymous variant. On other transcripts: 5 prime UTR variant (2).
Genome position (GRCh38, 1-based): chr16:68,811,751, C>T. VCF-style: chr16-68811751-C-T. GRCh37 (hg19) VCF-style: chr16-68845654-C-T.
Other names: c.900C>T, p.Ile300= (NM_001317184.2); c.-716C>T (NM_001317185.2); c.-920C>T (NM_001317186.2); c.900C>T (LRG_301t1).
Identifiers: ClinVar variation 481674 (VCV000481674.20), dbSNP rs775452740, ClinGen allele CA8129952.

ClinVar aggregate classification (germline): Benign/Likely benign. Review status: criteria provided, multiple submitters, no conflicts (2 of 4 stars). 6 submissions from 6 submitters: Benign (1); Likely benign (5). Last evaluated 2025-12-29.

Conditions:
Hereditary cancer-predisposing syndrome. Also called: Tumor predisposition; Hereditary Cancer Syndrome; Neoplastic Syndromes, Hereditary; Hereditary neoplastic syndrome. Identifiers: Orphanet 140162, MedGen C0027672, MeSH D009386, MONDO:0015356.
Hereditary diffuse gastric adenocarcinoma (HDGC). Also called: DIFFUSE GASTRIC AND LOBULAR BREAST CANCER SYNDROME. Identifiers: Orphanet 26106, MedGen C1708349, MONDO:0007648, OMIM 137215.

Allele frequency attached by ClinVar (database versions not stated): ExAC 0.00002; gnomAD exomes 0.00002.
gnomAD v4.1: 13 of 1,614,068 alleles (0.00081%); highest among the groups gnomAD compares: East Asian, 0.0045%; no homozygotes.

Submissions (6):

Center for Genomic Medicine, Rigshospitalet, Copenhagen University Hospital
Classification: Likely benign. Last evaluated: 2025-12-29. Review status: criteria provided, single submitter. Criteria: ACMG Guidelines, 2015. Collection method: clinical testing. Allele origin: germline.
Comment: Classification criteria: BP4, BP7

Labcorp Genetics (formerly Invitae), Labcorp
Classification: Likely benign for Hereditary diffuse gastric adenocarcinoma. Last evaluated: 2025-07-17. Review status: criteria provided, single submitter. Criteria: Invitae Variant Classification Sherloc (09022015). Collection method: clinical testing. Allele origin: germline.

Color Diagnostics, LLC DBA Color Health
Classification: Likely benign for Hereditary cancer-predisposing syndrome. Last evaluated: 2025-06-30. Review status: criteria provided, single submitter. Criteria: ACMG Guidelines, 2015. Collection method: clinical testing. Allele origin: germline.

Myriad Genetics, Inc.
Classification: Benign for Hereditary diffuse gastric adenocarcinoma. Last evaluated: 2024-09-16. Review status: criteria provided, single submitter. Criteria: Myriad Autosomal Dominant, Autosomal Recessive and X-Linked Classification Criteria (2023). Collection method: clinical testing. Allele origin: unknown.
Comment: This variant is considered benign. This variant is a silent/synonymous amino acid change and it is not expected to impact splicing.

Blueprint Genetics
Classification: Likely benign. Last evaluated: 2021-11-09. Review status: criteria provided, single submitter. Criteria: ACMG Guidelines, 2015. Collection method: clinical testing. Allele origin: germline.

Ambry Genetics
Classification: Likely benign for Hereditary cancer-predisposing syndrome. Last evaluated: 2016-03-24. Review status: criteria provided, single submitter. Criteria: Ambry Variant Classification Scheme 2023. Collection method: clinical testing. Allele origin: germline.